The following is an entry in ClinVar:

NM_006258.4(PRKG1):c.762+256C>A

Gene: PRKG1 (protein kinase cGMP-dependent 1; plus strand). Cytogenetic location: 10q21.1.
Variant type: single nucleotide variant.
Coding change: c.762+256C>A on transcript NM_006258.4 (MANE Select); 256 bases into the intron after coding-DNA position 762, C replaced by A.
Molecular consequence: intron variant.
Genome position (GRCh38, 1-based): chr10:51,907,826, C>A. VCF-style: chr10-51907826-C-A. GRCh37 (hg19) VCF-style: chr10-53667586-C-A.
Other names: c.717+256C>A (NM_001098512.3).
Identifiers: ClinVar variation 683715 (VCV000683715.1), dbSNP rs7083138, ClinGen allele CA207358583.

ClinVar aggregate classification (germline): Benign (1 of 4 stars; one submission).

Allele frequency attached by ClinVar (database versions not stated): gnomAD exomes 0.70202; 1000 Genomes Project 0.73263; 1000 Genomes Project 30x 0.74094; gnomAD 0.75198 and 0.75786; TOPMed 0.75507.
gnomAD v4.1: 264,342 of 365,840 alleles (72%); highest among the groups gnomAD compares: African/African-American, 87%; 96,488 homozygotes.

Submission:

GeneDx
Classification: Benign. Last evaluated: 2018-06-18. Review status: criteria provided, single submitter. Criteria: GeneDx Variant Classification (06012015). Collection method: clinical testing. Allele origin: germline. Affected: yes.
Comment: This variant is considered likely benign or benign based on one or more of the following criteria: it is a conservative change, it occurs at a poorly conserved position in the protein, it is predicted to be benign by multiple in silico algorithms, and/or has population frequency not consistent with disease.